The following is an entry in ClinVar:

NM_025103.4(IFT74):c.178G>T (p.Val60Phe)

Gene: IFT74 (intraflagellar transport 74; plus strand). Cytogenetic location: 9p21.2.
Variant type: single nucleotide variant.
Coding change: c.178G>T on transcript NM_025103.4 (MANE Select); coding-DNA position 178, G replaced by T.
Protein change: p.Val60Phe; replaces valine 60 with phenylalanine.
Molecular consequence: missense variant.
Genome position (GRCh38, 1-based): chr9:26,978,185, G>T. VCF-style: chr9-26978185-G-T. GRCh37 (hg19) VCF-style: chr9-26978183-G-T.
Other names: c.178G>T, p.Val60Phe (NM_001099222.3, NM_001099223.3, NM_001099224.3 and 1 more transcripts); c.178G>T (NM_001099222.1, NM_025103.2); short protein forms V60F.
Identifiers: ClinVar variation 1944186 (VCV001944186.6), dbSNP rs766183988, ClinGen allele CA5014841.

ClinVar aggregate classification (germline): Uncertain significance. Review status: criteria provided, multiple submitters, no conflicts (2 of 4 stars). 3 submissions from 3 submitters: Uncertain significance (2). 1 of the submissions does not count toward it. Last evaluated 2023-06-06.

Conditions:
IFT74-related disorder. Also called: IFT74-Related Disorders; IFT74-related condition.
Inborn genetic diseases. Identifiers: MedGen C0950123, MeSH D030342.

Allele frequency attached by ClinVar (database versions not stated): gnomAD exomes below 0.00001; ExAC 0.00002; gnomAD 0.00003; TOPMed 0.00006.
gnomAD v4.1: 9 of 1,613,486 alleles (0.00056%); highest among the groups gnomAD compares: African/African-American, 0.012%; no homozygotes.

Submissions (3):

Ambry Genetics
Classification: Uncertain significance for Inborn genetic diseases. Last evaluated: 2023-06-06. Review status: criteria provided, single submitter. Criteria: Ambry Variant Classification Scheme 2023. Collection method: clinical testing. Allele origin: germline.

Labcorp Genetics (formerly Invitae), Labcorp
Classification: Uncertain significance. Last evaluated: 2022-11-01. Review status: criteria provided, single submitter. Criteria: Invitae Variant Classification Sherloc (09022015). Collection method: clinical testing. Allele origin: germline.
Comment: This variant has not been reported in the literature in individuals affected with IFT74-related conditions. This variant is present in population databases (rs766183988, gnomAD 0.02%). This sequence change replaces valine, which is neutral and non-polar, with phenylalanine, which is neutral and non-polar, at codon 60 of the IFT74 protein (p.Val60Phe). Algorithms developed to predict the effect of missense changes on protein structure and function are either unavailable or do not agree on the potential impact of this missense change (SIFT: "Deleterious"; PolyPhen-2: "Benign"; Align-GVGD: "Class C0"). In summary, the available evidence is currently insufficient to determine the role of this variant in disease. Therefore, it has been classified as a Variant of Uncertain Significance.

PreventionGenetics, part of Exact Sciences
Classification: Uncertain significance for IFT74-related condition. Last evaluated: 2024-07-25. Review status: no assertion criteria provided. Collection method: clinical testing. Allele origin: germline. Not counted in ClinVar's aggregate classification.
Comment: The IFT74 c.178G>T variant is predicted to result in the amino acid substitution p.Val60Phe. To our knowledge, this variant has not been reported in the literature. This variant is reported in 0.021% of alleles in individuals of African descent in gnomAD. At this time, the clinical significance of this variant is uncertain due to the absence of conclusive functional and genetic evidence.